The following is an entry in ClinVar:

ClinVar aggregate classification (germline): Likely benign (1 of 4 stars; one submission).

gnomAD v4.1: 27 of 1,614,068 alleles (0.0017%); highest among the groups gnomAD compares: Middle Eastern, 0.016%; no homozygotes.

Submission:

CeGaT Center for Human Genetics Tuebingen
Classification: Likely benign. Last evaluated: 2026-05-01. Review status: criteria provided, single submitter. Criteria: CeGaT Center For Human Genetics Tuebingen Variant Classification Criteria Version 2. Collection method: clinical testing. Allele origin: germline. Affected: yes. Observed: 1 variant allele.
Comment: SVIL: BP4, BP7

NM_021738.3(SVIL):c.3051A>G (p.Glu1017=)

Gene: SVIL (supervillin; minus strand). Cytogenetic location: 10p11.23.
Variant type: single nucleotide variant.
Coding change: c.3051A>G on transcript NM_021738.3 (MANE Select); coding-DNA position 3051, A replaced by G.
Protein change: p.Glu1017=; no amino-acid change (glutamic acid 1017 retained).
Molecular consequence: synonymous variant.
Genome position (GRCh38, 1-based): chr10:29,523,563, T>C on the plus strand (A>G on the coding strand, the complement: SVIL is on the minus strand). VCF-style: chr10-29523563-T-C. GRCh37 (hg19) VCF-style: chr10-29812492-T-C.
Other names: c.2121A>G, p.Glu707= (NM_001323599.2); c.1869A>G, p.Glu623= (NM_001323600.1); c.1773A>G, p.Glu591= (NM_003174.3).
Identifiers: ClinVar variation 4873221 (VCV004873221.2).